The following is an entry in ClinVar:

NM_001005361.3(DNM2):c.2245C>T (p.Pro749Ser)

Gene: DNM2 (dynamin 2; plus strand). Cytogenetic location: 19p13.2.
Variant type: single nucleotide variant.
Coding change: c.2245C>T on transcript NM_001005361.3 (MANE Select); coding-DNA position 2245, C replaced by T.
Protein change: p.Pro749Ser; replaces proline 749 with serine.
Molecular consequence: missense variant.
Genome position (GRCh38, 1-based): chr19:10,829,222, C>T. VCF-style: chr19-10829222-C-T. GRCh37 (hg19) VCF-style: chr19-10939898-C-T.
Other names: c.2245C>T, p.Pro749Ser (NM_001005360.3, NM_001190716.2); c.2233C>T, p.Pro745Ser (NM_001005362.3, NM_004945.4); short protein forms P749S, P745S.
Identifiers: ClinVar variation 845736 (VCV000845736.9), dbSNP rs773884005, ClinGen allele CA9201554.

ClinVar aggregate classification (germline): Uncertain significance (1 of 4 stars; one submission).

Conditions:
Charcot-Marie-Tooth disease dominant intermediate B (CMTDIB). Also called: CHARCOT-MARIE-TOOTH NEUROPATHY, DOMINANT INTERMEDIATE B; Charcot-Marie-Tooth disease dominant intermediate 1; CMT DI1; Charcot-Marie-Tooth disease dominant intermediate I. Identifiers: Orphanet 100044, Orphanet 228179, MedGen C1847902, MONDO:0011674, OMIM 606482.

Allele frequency attached by ClinVar (database versions not stated): ExAC 0.00001.

Submission:

Labcorp Genetics (formerly Invitae), Labcorp
Classification: Uncertain significance for Charcot-Marie-Tooth disease dominant intermediate B. Last evaluated: 2019-11-28. Review status: criteria provided, single submitter. Criteria: Invitae Variant Classification Sherloc (09022015). Collection method: clinical testing. Allele origin: germline.
Comment: Algorithms developed to predict the effect of missense changes on protein structure and function are either unavailable or do not agree on the potential impact of this missense change (SIFT: "Deleterious"; PolyPhen-2: "Probably Damaging"; Align-GVGD: "Class C0"). In summary, the available evidence is currently insufficient to determine the role of this variant in disease. Therefore, it has been classified as a Variant of Uncertain Significance. This variant has not been reported in the literature in individuals with DNM2-related conditions. This variant is present in population databases (rs773884005, ExAC 0.02%). This sequence change replaces proline with serine at codon 749 of the DNM2 protein (p.Pro749Ser). The proline residue is highly conserved and there is a moderate physicochemical difference between proline and serine.